The following is an entry in ClinVar:

ClinVar aggregate classification (germline): Uncertain significance (1 of 4 stars; one submission).

Conditions:
Ulnar-mammary syndrome (UMS). Also called: Ulnar-mammary syndrome of Pallister; SCHINZEL SYNDROME; PALLISTER ULNAR-MAMMARY SYNDROME. Identifiers: Orphanet 3138, MedGen C1866994, MONDO:0008411, OMIM 181450.

Submission:

Labcorp Genetics (formerly Invitae), Labcorp
Classification: Uncertain significance for Ulnar-mammary syndrome. Last evaluated: 2023-07-18. Review status: criteria provided, single submitter. Criteria: Invitae Variant Classification Sherloc (09022015). Collection method: clinical testing. Allele origin: germline.
Comment: This variant has not been reported in the literature in individuals affected with TBX3-related conditions. In summary, the available evidence is currently insufficient to determine the role of this variant in disease. Therefore, it has been classified as a Variant of Uncertain Significance. An algorithm developed to predict the effect of missense changes on protein structure and function (PolyPhen-2) suggests that this variant is likely to be disruptive. This variant is not present in population databases (gnomAD no frequency). This sequence change replaces glutamine, which is neutral and polar, with arginine, which is basic and polar, at codon 563 of the TBX3 protein (p.Gln563Arg).

NM_005996.4(TBX3):c.1688A>G (p.Gln563Arg)

Gene: TBX3 (T-box transcription factor 3; minus strand). Cytogenetic location: 12q24.21.
Variant type: single nucleotide variant.
Coding change: c.1688A>G on transcript NM_005996.4 (MANE Select); coding-DNA position 1688, A replaced by G.
Protein change: p.Gln563Arg; replaces glutamine 563 with arginine.
Molecular consequence: missense variant.
Genome position (GRCh38, 1-based): chr12:114,674,187, T>C on the plus strand (A>G on the coding strand, the complement: TBX3 is on the minus strand). VCF-style: chr12-114674187-T-C. GRCh37 (hg19) VCF-style: chr12-115111992-T-C.
Other names: c.1748A>G, p.Gln583Arg (NM_016569.4); short protein forms Q583R, Q563R.
Identifiers: ClinVar variation 2805710 (VCV002805710.3), dbSNP rs2499786239, ClinGen allele CA386868433.